The following is an entry in ClinVar:

NM_198291.3(SRC):c.423G>A (p.Ala141=)

Gene: SRC (SRC proto-oncogene, non-receptor tyrosine kinase; plus strand). Cytogenetic location: 20q11.23.
Variant type: single nucleotide variant.
Coding change: c.423G>A on transcript NM_198291.3 (MANE Select); coding-DNA position 423, G replaced by A.
Protein change: p.Ala141=; no amino-acid change (alanine 141 retained).
Molecular consequence: synonymous variant.
Genome position (GRCh38, 1-based): chr20:37,393,967, G>A. VCF-style: chr20-37393967-G-A. GRCh37 (hg19) VCF-style: chr20-36022370-G-A.
Other names: c.423G>A, p.Ala141= (NM_005417.5).
Identifiers: ClinVar variation 3067299 (VCV003067299.21), dbSNP rs1440380781, ClinGen allele CA510446937.

ClinVar aggregate classification (germline): Likely benign (1 of 4 stars; one submission).

Allele frequency attached by ClinVar (database versions not stated): TOPMed below 0.00001; gnomAD 0.00001; gnomAD exomes 0.00003.
gnomAD v4.1: 42 of 1,613,926 alleles (0.0026%); highest among the groups gnomAD compares: South Asian, 0.0066%; no homozygotes.

Submission:

CeGaT Center for Human Genetics Tuebingen
Classification: Likely benign. Last evaluated: 2024-03-01. Review status: criteria provided, single submitter. Criteria: CeGaT Center For Human Genetics Tuebingen Variant Classification Criteria Version 2. Collection method: clinical testing. Allele origin: germline. Affected: yes. Observed: 1 variant allele.
Comment: SRC: BP4, BP7